The following is an entry in ClinVar:

ClinVar aggregate classification (germline): Uncertain significance (1 of 4 stars; one submission).

Allele frequency attached by ClinVar (database versions not stated): ExAC 0.00001.
gnomAD v4.1: 3 of 1,612,292 alleles (0.00019%); highest among the groups gnomAD compares: Non-Finnish European, 0.00025%; no homozygotes.

Submission:

Labcorp Genetics (formerly Invitae), Labcorp
Classification: Uncertain significance. Last evaluated: 2022-08-13. Review status: criteria provided, single submitter. Criteria: Invitae Variant Classification Sherloc (09022015). Collection method: clinical testing. Allele origin: germline.
Comment: This variant is present in population databases (rs758919065, gnomAD 0.002%). This sequence change replaces histidine, which is basic and polar, with leucine, which is neutral and non-polar, at codon 655 of the PDE6B protein (p.His655Leu). This variant has not been reported in the literature in individuals affected with PDE6B-related conditions. Algorithms developed to predict the effect of missense changes on protein structure and function are either unavailable or do not agree on the potential impact of this missense change (SIFT: "Tolerated"; PolyPhen-2: "Possibly Damaging"; Align-GVGD: "Class C0"). In summary, the available evidence is currently insufficient to determine the role of this variant in disease. Therefore, it has been classified as a Variant of Uncertain Significance.

NM_000283.4(PDE6B):c.1964A>T (p.His655Leu)

Gene: PDE6B (phosphodiesterase 6B; plus strand). Cytogenetic location: 4p16.3.
Variant type: single nucleotide variant.
Coding change: c.1964A>T on transcript NM_000283.4 (MANE Select); coding-DNA position 1964, A replaced by T.
Protein change: p.His655Leu; replaces histidine 655 with leucine.
Molecular consequence: missense variant.
Genome position (GRCh38, 1-based): chr4:663,813, A>T. VCF-style: chr4-663813-A-T. GRCh37 (hg19) VCF-style: chr4-657602-A-T.
Other names: c.1964A>T, p.His655Leu (NM_001145291.2); c.1127A>T, p.His376Leu (NM_001145292.2, NM_001350154.3, NM_001379246.1 and 1 more transcripts); c.809A>T, p.His270Leu (NM_001350155.3); short protein forms H270L, H655L, H376L.
Identifiers: ClinVar variation 1976435 (VCV001976435.5), dbSNP rs758919065, ClinGen allele CA2794795.